The following is an entry in ClinVar:

ClinVar aggregate classification (germline): Uncertain significance (1 of 4 stars; one submission).

Submission:

Labcorp Genetics (formerly Invitae), Labcorp
Classification: Uncertain significance. Last evaluated: 2024-01-12. Review status: criteria provided, single submitter. Criteria: Invitae Variant Classification Sherloc (09022015). Collection method: clinical testing. Allele origin: unknown.
Comment: A copy number gain of the genomic region encompassing the full coding sequence of the GYG2 gene has been identified. The boundaries of this event are unknown as they extend beyond the assayed region for this gene and therefore may encompass additional genes. As the precise location of this event is unknown, it may be in tandem or it may be located elsewhere in the genome. This variant has not been reported in the literature in individuals affected with GYG2-related conditions. In summary, the available evidence is currently insufficient to determine the role of this variant in disease. Therefore, it has been classified as a Variant of Uncertain Significance.

NC_000023.10:g.(?_2748230)_(2799254_?)dup

Gene: GYG2 (glycogenin 2; plus strand). Cytogenetic location: Xp22.33.
Variant type: Duplication.
Identifiers: ClinVar variation 3246596 (VCV003246596.1).